The following is an entry in ClinVar:

ClinVar aggregate classification (germline): Uncertain significance. Review status: criteria provided, multiple submitters, no conflicts (2 of 4 stars). 3 submissions from 3 submitters: Uncertain significance (3). Last evaluated 2025-11-23.

Conditions:
Inborn genetic diseases. Identifiers: MedGen C0950123, MeSH D030342.

Allele frequency attached by ClinVar (database versions not stated): ESP Exome Variant Server 0.00008.
gnomAD v4.1: 15 of 1,613,982 alleles (0.00093%); highest among the groups gnomAD compares: African/African-American, 0.004%; no homozygotes.

Submissions (3):

Labcorp Genetics (formerly Invitae), Labcorp
Classification: Uncertain significance. Last evaluated: 2025-11-23. Review status: criteria provided, single submitter. Criteria: Invitae Variant Classification Sherloc (09022015). Collection method: clinical testing. Allele origin: germline.
Comment: This sequence change replaces alanine, which is neutral and non-polar, with threonine, which is neutral and polar, at codon 3636 of the HSPG2 protein (p.Ala3636Thr). This variant is present in population databases (rs370883205, gnomAD 0.01%). This variant has not been reported in the literature in individuals affected with HSPG2-related conditions. ClinVar contains an entry for this variant (Variation ID: 1399090). An algorithm developed to predict the effect of missense changes on protein structure and function (PolyPhen-2) suggests that this variant is likely to be disruptive. In summary, the available evidence is currently insufficient to determine the role of this variant in disease. Therefore, it has been classified as a Variant of Uncertain Significance.

Ambry Genetics
Classification: Uncertain significance for Inborn genetic diseases. Last evaluated: 2021-10-26. Review status: criteria provided, single submitter. Criteria: Ambry Variant Classification Scheme 2023. Collection method: clinical testing. Allele origin: germline.

Breakthrough Genomics
Classification: Uncertain significance. Review status: criteria provided, single submitter. Criteria: ACMG Guidelines, 2015. Collection method: not provided. Allele origin: germline. Inheritance: Autosomal recessive inheritance. Affected: yes.

NM_005529.7(HSPG2):c.10906G>A (p.Ala3636Thr)

Gene: HSPG2 (heparan sulfate proteoglycan 2; minus strand). Cytogenetic location: 1p36.12.
Variant type: single nucleotide variant.
Coding change: c.10906G>A on transcript NM_005529.7 (MANE Select); coding-DNA position 10906, G replaced by A.
Protein change: p.Ala3636Thr; replaces alanine 3636 with threonine.
Molecular consequence: missense variant.
Genome position (GRCh38, 1-based): chr1:21,833,539, C>T on the plus strand (G>A on the coding strand, the complement: HSPG2 is on the minus strand). VCF-style: chr1-21833539-C-T. GRCh37 (hg19) VCF-style: chr1-22160032-C-T.
Other names: c.10906G>A (NM_005529.5); c.10909G>A, p.Ala3637Thr (NM_001291860.2); short protein forms A3636T, A3637T.
Identifiers: ClinVar variation 1399090 (VCV001399090.10), dbSNP rs370883205, ClinGen allele CA669984.